The following continues an entry in ClinVar:

NM_000277.3(PAH):c.782G>A (p.Arg261Gln)

Gene: PAH. ClinVar aggregate classification (germline): Pathogenic. Pathogenic (1).

Submissions 28 to 39 of 39:

Women's Health and Genetics/Laboratory Corporation of America, LabCorp
Classification: Pathogenic for Phenylketonuria. Last evaluated: 2016-07-14. Review status: criteria provided, single submitter. Criteria: LabCorp Variant Classification Summary - May 2015. Collection method: clinical testing. Allele origin: germline. Not counted in ClinVar's aggregate classification.
Comment: Variant summary: The PAH c.782G>A (p.Arg261Gln) variant involves the alteration of a conserved nucleotide. 4/5 in silico tools predict a damaging outcome for this variant. Arg261 is highly conserved across species and is located in the Aromatic amino acid hydroxylase, C-terminal of the Phenylalanine-4-hydroxylase protein.This variant was found in 33/121376 control chromosomes at a frequency of 0.0002719, which does not exceed the estimated maximal expected allele frequency of a pathogenic PAH variant (0.0079057). This variant has been reported in many PKU and HPA patients in homozygous or compound heterozygous state, and is considered a commonly known pathogenic PAH variant. In addition, multiple clinical diagnostic laboratories/reputable databases classified this variant as pathogenic. Taken together, this variant is classified as pathogenic.

Eurofins Ntd Llc (ga)
Classification: Pathogenic. Last evaluated: 2016-01-25. Review status: criteria provided, single submitter. Criteria: EGL Classification Definitions 2015. Collection method: clinical testing. Allele origin: germline. Observed: 16 variant alleles, 14 heterozygotes, 2 homozygotes. Not counted in ClinVar's aggregate classification.

Center for Pediatric Genomic Medicine, Children's Mercy Hospital and Clinics
Classification: Pathogenic. Last evaluated: 2014-12-04. Review status: criteria provided, single submitter. Criteria: ACMG Guidelines, 2015. Collection method: clinical testing. Allele origin: germline. Not counted in ClinVar's aggregate classification.

Juno Genomics, Hangzhou Juno Genomics, Inc
Classification: Pathogenic for Phenylketonuria. Review status: criteria provided, single submitter. Criteria: ACMG Guidelines, 2015. Collection method: clinical testing. Allele origin: germline. Not counted in ClinVar's aggregate classification.
Comment: Multiple lines of computational evidence support a deleterious effect on the gene or gene product.;For recessive disorders, detected in trans with a pathogenic variant.

UNC Molecular Genetics  Laboratory, University of North Carolina at Chapel Hill
Classification: Pathogenic for Phenylketonuria. Review status: criteria provided, single submitter. Criteria: ACMG Guidelines, 2015. Collection method: research. Allele origin: germline. Affected: yes. Observed: 1 variant allele. Study: NSIGHT-NC NEXUS. Not counted in ClinVar's aggregate classification.
Comment: The PAH c.782G>A (p.R261Q) missense variant has been reported in the compound heterozygous or homozygous state in individuals with phenylketonuria (PMID: 2574153; 17935162; 16765994)

OMIM
Classification: Pathogenic for PHENYLKETONURIA. Last evaluated: 2007-08-15. Review status: no assertion criteria provided. Collection method: literature only. Allele origin: germline. Not counted in ClinVar's aggregate classification.

Clinical Genetics DNA and cytogenetics Diagnostics Lab, Erasmus MC, Erasmus Medical Center
Classification: Pathogenic. Review status: no assertion criteria provided. Collection method: clinical testing. Allele origin: germline. Affected: yes. Study: VKGL Data-share Consensus. Not counted in ClinVar's aggregate classification.

DeBelle Laboratory for Biochemical Genetics, MUHC/MCH RESEARCH INSTITUTE
No classification provided. Review status: no classification provided. Collection method: not provided. Allele origin: not provided. Not counted in ClinVar's aggregate classification.

Diagnostic Laboratory, Department of Genetics, University Medical Center Groningen
Classification: Pathogenic. Review status: no assertion criteria provided. Collection method: clinical testing. Allele origin: germline. Affected: yes. Study: VKGL Data-share Consensus. Not counted in ClinVar's aggregate classification.

GeneReviews
No classification provided. Condition: Phenylketonuria. Review status: no classification provided. Collection method: literature only. Allele origin: germline. Affected: yes. Not counted in ClinVar's aggregate classification.

Genome Diagnostics Laboratory, University Medical Center Utrecht
Classification: Pathogenic. Review status: no assertion criteria provided. Collection method: clinical testing. Allele origin: germline. Affected: yes. Study: VKGL Data-share Consensus. Not counted in ClinVar's aggregate classification.

Joint Genome Diagnostic Labs from Nijmegen and Maastricht, Radboudumc and MUMC+
Classification: Pathogenic. Review status: no assertion criteria provided. Collection method: clinical testing. Allele origin: germline. Affected: yes. Study: VKGL Data-share Consensus. Not counted in ClinVar's aggregate classification.

Literature cited by the submitters: PubMed 17935162 (cited by 7 submitters); PubMed 2014036 (cited by 5 submitters); PubMed 25596310 (cited by 7 submitters); PubMed 27121329 (cited by Dasa); PubMed 26666653 (cited by 4 submitters); PubMed 21527427 (cited by Dasa); PubMed 8098245 (cited by Dasa); PubMed 16290003 (cited by Dasa); PubMed 26542770 (cited by Dasa); PubMed 2574153 (cited by 6 submitters); PubMed 1677425 (cited by Department of Molecular Genetics, Istishari Arab Hospital); PubMed 16765994 (cited by Labcorp Genetics (formerly Invitae), Labcorp and UNC Molecular Genetics  Laboratory, University of North Carolina at Chapel Hill); PubMed 10479481 (cited by 3 submitters); PubMed 26481238 (cited by 3billion); PubMed 30159852 (cited by Natera, Inc.); PubMed 30311390 (cited by OLLIN Analises Genomicas, OLLIN); PubMed 34828281 (cited by Mayo Clinic Laboratories, Mayo Clinic); PubMed 36046396 (cited by Mayo Clinic Laboratories, Mayo Clinic); PubMed 36537053 (cited by Mayo Clinic Laboratories, Mayo Clinic); PubMed 26351554 (cited by Cellular and Molecular Research Center, Cellular and Molecular Medicine Research Institute,, Urmia University of Medical Sciences); PubMed 12409276 (cited by Myriad Genetics, Inc.); PubMed 23792259 (cited by Myriad Genetics, Inc.); PubMed 8889590 (cited by Myriad Genetics, Inc.); PubMed 19394257 (cited by Myriad Genetics, Inc.); PubMed 22513348 (cited by Myriad Genetics, Inc.); PubMed 12655546 (cited by Myriad Genetics, Inc.); PubMed 15557004 (cited by Myriad Genetics, Inc.); PubMed 9634518 (cited by Quest Diagnostics Nichols Institute San Juan Capistrano); PubMed 16755493 (cited by Quest Diagnostics Nichols Institute San Juan Capistrano); PubMed 18447256 (cited by Quest Diagnostics Nichols Institute San Juan Capistrano); PubMed 23842451 (cited by Quest Diagnostics Nichols Institute San Juan Capistrano); PubMed 8487271 (cited by Quest Diagnostics Nichols Institute San Juan Capistrano and OMIM); PubMed 21871829 (cited by Women's Health and Genetics/Laboratory Corporation of America, LabCorp); PubMed 20301677 (cited by UNC Molecular Genetics  Laboratory, University of North Carolina at Chapel Hill); PubMed 1971144 (cited by OMIM); PubMed 1915502 (cited by OMIM); PubMed 17630668 (cited by OMIM); NCBI Bookshelf NBK1504 (cited by GeneReviews).